The following is an entry in ClinVar:

NM_000257.4(MYH7):c.1884_1888+15del

Gene: MYH7 (myosin heavy chain 7; minus strand). Cytogenetic location: 14q11.2.
Variant type: Deletion.
Coding change: c.1884_1888+15del on transcript NM_000257.4 (MANE Select); coding-DNA position 1884 through 15 bases into the intron after coding-DNA position 1888, 20 bases deleted (TGCGCGTAAGTAGGGACTGA).
Molecular consequence: splice donor variant.
Genome position (GRCh38, 1-based): chr14:23,427,570-23,427,589, TCAGTCCCTACTTACGCGCA deleted on the plus strand (TGCGCGTAAGTAGGGACTGA on the coding strand, the reverse complement: MYH7 is on the minus strand); deleting any 20 consecutive bases within chr14:23,427,570-23,427,593 gives the same sequence; the c. name uses the placement nearest the transcript's 3' end. VCF-style (leftmost placement, unchanged base first): chr14-23427569-CTCAGTCCCTACTTACGCGCA-C. GRCh37 (hg19) VCF-style: chr14-23896778-CTCAGTCCCTACTTACGCGCA-C.
Other names: c.1884_1888+15del20 (NM_000257.4).
Identifiers: ClinVar variation 1781939 (VCV001781939.2), dbSNP rs2502296210, ClinGen allele CA2580088021.
Genomic context (GRCh38, chr14:23,427,569, plus strand): 5'-GTGTAGCAATTGACCTGGCTCAGAACCTTGGCAGAATCCCTGCTCCTCTGTACCGGGAGC[CTCAGTCCCTACTTACGCGCA>C]TCAGCCCCAGCATAGTTGGCAAACAGGGTGCTGAGCAGCTTGAGGGAAGACTTCTGATAC-3'

ClinVar aggregate classification (germline): Uncertain significance (1 of 4 stars; one submission).

Conditions:
Cardiovascular phenotype. Identifiers: MedGen CN230736.

Submission:

Ambry Genetics
Classification: Uncertain significance for Cardiovascular phenotype. Last evaluated: 2021-05-24. Review status: criteria provided, single submitter. Criteria: Ambry Variant Classification Scheme 2023. Collection method: clinical testing. Allele origin: germline.
Comment: The c.1884_1888+15del20 variant results from a deletion of 20 nucleotides between positions 1884 and 1888+15 and involves the canonical splice donor site after coding exon 14 of the MYH7 gene. The canonical splice donor site is well conserved in available vertebrate species. In silico splice site analysis predicts that this alteration will weaken the native splice donor site. Alterations that disrupt the canonical splice site are expected to cause aberrant splicing, resulting in an abnormal protein or a transcript that is subject to nonsense-mediated mRNA decay. However, loss of function of MYH7 has not been clearly established as a mechanism of disease. This variant is considered to be rare based on population cohorts in the Genome Aggregation Database (gnomAD). Since supporting evidence is limited at this time, the clinical significance of this alteration remains unclear.